The following is an entry in ClinVar:

ClinVar aggregate classification (germline): Likely benign (1 of 4 stars; one submission).

Allele frequency attached by ClinVar (database versions not stated): gnomAD exomes 0.00025; ExAC 0.00102; gnomAD 0.00282; TOPMed 0.00308; 1000 Genomes Project 30x 0.00375; 1000 Genomes Project 0.00379; ESP Exome Variant Server 0.00415.

Submission:

CeGaT Center for Human Genetics Tuebingen
Classification: Likely benign. Last evaluated: 2023-02-01. Review status: criteria provided, single submitter. Criteria: CeGaT Center For Human Genetics Tuebingen Variant Classification Criteria Version 2. Collection method: clinical testing. Allele origin: germline. Affected: yes. Observed: 1 variant allele.
Comment: CKAP5: BP4, BP7, BS2

NM_001008938.4(CKAP5):c.5358C>T (p.Asn1786=)

Gene: CKAP5 (cytoskeleton associated protein 5; minus strand). Cytogenetic location: 11p11.2.
Variant type: single nucleotide variant.
Coding change: c.5358C>T on transcript NM_001008938.4 (MANE Select); coding-DNA position 5358, C replaced by T.
Protein change: p.Asn1786=; no amino-acid change (asparagine 1786 retained).
Molecular consequence: synonymous variant.
Genome position (GRCh38, 1-based): chr11:46,751,220, G>A on the plus strand (C>T on the coding strand, the complement: CKAP5 is on the minus strand). VCF-style: chr11-46751220-G-A. GRCh37 (hg19) VCF-style: chr11-46772770-G-A.
Other names: c.5178C>T, p.Asn1726= (NM_014756.4).
Identifiers: ClinVar variation 2641750 (VCV002641750.24), dbSNP rs111277483, ClinGen allele CA5967606.